The following is an entry in ClinVar:

ClinVar aggregate classification (germline): Uncertain significance (1 of 4 stars; one submission).

Conditions:
Inborn genetic diseases. Identifiers: MedGen C0950123, MeSH D030342.

Submission:

Ambry Genetics
Classification: Uncertain significance for Inborn genetic diseases. Last evaluated: 2017-09-07. Review status: criteria provided, single submitter. Criteria: Ambry Variant Classification Scheme 2023. Collection method: clinical testing. Allele origin: germline.
Comment: The p.G167D variant (also known as c.500G>A), located in coding exon 3 of the EPM2A gene, results from a G to A substitution at nucleotide position 500. The glycine at codon 167 is replaced by aspartic acid, an amino acid with similar properties. This amino acid position is highly conserved in available vertebrate species. In addition, this alteration is predicted to be deleterious by in silico analysis. Since supporting evidence is limited at this time, the clinical significance of this alteration remains unclear.

NM_005670.4(EPM2A):c.500G>A (p.Gly167Asp)

Gene: EPM2A (EPM2A glucan phosphatase, laforin; minus strand). Cytogenetic location: 6q24.3.
Variant type: single nucleotide variant.
Coding change: c.500G>A on transcript NM_005670.4 (MANE Select); coding-DNA position 500, G replaced by A.
Protein change: p.Gly167Asp; replaces glycine 167 with aspartic acid.
Molecular consequence: missense variant. On other transcripts: intron variant (1).
Genome position (GRCh38, 1-based): chr6:145,635,463, C>T on the plus strand (G>A on the coding strand, the complement: EPM2A is on the minus strand). VCF-style: chr6-145635463-C-T. GRCh37 (hg19) VCF-style: chr6-145956599-C-T.
Other names: c.500G>A, p.Gly167Asp (NM_001018041.2, NM_001368130.1); c.86G>A, p.Gly29Asp (NM_001360064.2, NM_001360071.2, NM_001368131.1); c.38G>A, p.Gly13Asp (NM_001368129.2, NM_001368132.1); c.477-7770G>A (NM_001360057.2); short protein forms G29D, G13D, G167D.
Identifiers: ClinVar variation 1744753 (VCV001744753.2), dbSNP rs2533637207, ClinGen allele CA366191554.